The following is an entry in ClinVar:

ClinVar aggregate classification (germline): Uncertain significance (1 of 4 stars; one submission).

Conditions:
Inborn genetic diseases. Identifiers: MedGen C0950123, MeSH D030342.

gnomAD v4.1: 1 of 1,610,444 alleles (0.000062%); highest among the groups gnomAD compares: Non-Finnish European, 0.000085%; no homozygotes.

Submission:

Ambry Genetics
Classification: Uncertain significance for Inborn genetic diseases. Last evaluated: 2025-12-14. Review status: criteria provided, single submitter. Criteria: Ambry Variant Classification Scheme 2023. Collection method: clinical testing. Allele origin: germline.
Comment: The p.K448R variant (also known as c.1343A>G), located in coding exon 12 of the KDM1A gene, results from an A to G substitution at nucleotide position 1343. The lysine at codon 448 is replaced by arginine, an amino acid with highly similar properties. This amino acid position is conserved. In addition, this alteration is predicted to be tolerated by in silico analysis. Based on the available evidence, the clinical significance of this variant remains unclear.

NM_001009999.3(KDM1A):c.1343A>G (p.Lys448Arg)

Gene: KDM1A (lysine demethylase 1A; plus strand). Cytogenetic location: 1p36.12.
Variant type: single nucleotide variant.
Coding change: c.1343A>G on transcript NM_001009999.3 (MANE Select); coding-DNA position 1343, A replaced by G.
Protein change: p.Lys448Arg; replaces lysine 448 with arginine.
Molecular consequence: missense variant.
Genome position (GRCh38, 1-based): chr1:23,069,081, A>G. VCF-style: chr1-23069081-A-G. GRCh37 (hg19) VCF-style: chr1-23395574-A-G.
Other names: c.1271A>G, p.Lys424Arg (NM_001363654.2, NM_001410763.1, NM_015013.4); c.1331A>G, p.Lys444Arg (NM_001410762.1); short protein forms K444R, K424R, K448R.
Identifiers: ClinVar variation 4622746 (VCV004622746.1).